The following is an entry in ClinVar:

NM_001369.3(DNAH5):c.252T>G (p.Tyr84Ter)

Gene: DNAH5 (dynein axonemal heavy chain 5; minus strand). Cytogenetic location: 5p15.2.
Variant type: single nucleotide variant.
Coding change: c.252T>G on transcript NM_001369.3 (MANE Select); coding-DNA position 252, T replaced by G.
Protein change: p.Tyr84Ter; replaces tyrosine 84 with a stop codon.
Molecular consequence: nonsense.
Genome position (GRCh38, 1-based): chr5:13,928,119, A>C on the plus strand (T>G on the coding strand, the complement: DNAH5 is on the minus strand). VCF-style: chr5-13928119-A-C. GRCh37 (hg19) VCF-style: chr5-13928228-A-C.
Other names: short protein forms Y84*.
Identifiers: ClinVar variation 525260 (VCV000525260.17), dbSNP rs754982008, ClinGen allele CA3205241.

ClinVar aggregate classification (germline): Pathogenic/Likely pathogenic. Review status: criteria provided, multiple submitters, no conflicts (2 of 4 stars). 4 submissions from 4 submitters: Pathogenic (3); Likely pathogenic (1). Last evaluated 2025-04-14.

Conditions:
Primary ciliary dyskinesia. Also called: Ciliary dyskinesia. Identifiers: Orphanet 244, MedGen C0008780, MONDO:0016575, HP:0012265.
DNAH5-related disorder. Also called: DNAH5-related condition.

Allele frequency attached by ClinVar (database versions not stated): ExAC 0.00002; gnomAD exomes 0.00001; TOPMed 0.00001.
gnomAD v4.1: 11 of 1,613,864 alleles (0.00068%); highest among the groups gnomAD compares: African/African-American, 0.0013%; no homozygotes.

Submissions (4):

Natera, Inc.
Classification: Likely pathogenic for Primary ciliary dyskinesia. Last evaluated: 2025-04-14. Review status: criteria provided, single submitter. Criteria: Natera Variant Classification Schema (03/2026). Collection method: clinical testing. Allele origin: germline.
Comment: The c.252T>G variant in DNAH5 is a nonsense variant predicted to introduce a stop codon at amino acid 84. This variant is expected to result in nonsense mediated decay, truncation, or a dysfunctional protein product. This variant is rare in the general population with a frequency below the threshold expected for the associated phenotype(s). Given the available evidence, this variant is classified as Likely Pathogenic.

Labcorp Genetics (formerly Invitae), Labcorp
Classification: Pathogenic for Primary ciliary dyskinesia. Last evaluated: 2025-03-11. Review status: criteria provided, single submitter. Criteria: Invitae Variant Classification Sherloc (09022015). Collection method: clinical testing. Allele origin: germline.
Comment: This sequence change creates a premature translational stop signal (p.Tyr84*) in the DNAH5 gene. It is expected to result in an absent or disrupted protein product. Loss-of-function variants in DNAH5 are known to be pathogenic (PMID: 11788826, 16627867). This variant is present in population databases (rs754982008, gnomAD 0.003%). This premature translational stop signal has been observed in individual(s) with primary ciliary dyskinesia (PMID: 16627867). ClinVar contains an entry for this variant (Variation ID: 525260). For these reasons, this variant has been classified as Pathogenic.

PreventionGenetics, part of Exact Sciences
Classification: Pathogenic for DNAH5-related condition. Last evaluated: 2024-12-03. Review status: criteria provided, single submitter. Criteria: ACMG Guidelines, 2015. Collection method: clinical testing. Allele origin: germline.
Comment: The DNAH5 c.252T>G variant is predicted to result in premature protein termination (p.Tyr84*). This variant has been reported in the heterozygous state in an individual with primary ciliary dyskinesia (PCD); however a second variant was not identified (Hornef et al. 2006. PubMed ID: 16627867). This variant is reported in 0.0018% of alleles in individuals of European (Non-Finnish) descent in gnomAD. Nonsense variants in DNAH5 are expected to be pathogenic. This variant is interpreted as pathogenic.

Ambry Genetics
Classification: Pathogenic for Primary ciliary dyskinesia. Last evaluated: 2020-12-14. Review status: criteria provided, single submitter. Criteria: Ambry Variant Classification Scheme 2023. Collection method: clinical testing. Allele origin: germline.
Comment: The p.Y84* pathogenic mutation (also known as c.252T>G), located in coding exon 3 of the DNAH5 gene, results from a T to G substitution at nucleotide position 252. This changes the amino acid from a tyrosine to a stop codon within coding exon 3. This mutation was identified in an individual with primary ciliary dyskinesia and an outer dynein arm defect on electron microscopy; however, a second alteration was not detected (Hornef N et al. Am. J. Respir. Crit. Care Med., 2006 Jul;174:120-6). In addition to the clinical data presented in the literature, this alteration is expected to result in loss of function by premature protein truncation or nonsense-mediated mRNA decay. As such, this alteration is interpreted as a disease-causing mutation.

Literature cited by the submitters: PubMed 11788826 (cited by Labcorp Genetics (formerly Invitae), Labcorp); PubMed 16627867 (cited by Labcorp Genetics (formerly Invitae), Labcorp and Ambry Genetics).